The following is an entry in ClinVar:

ClinVar aggregate classification (germline): Uncertain significance (1 of 4 stars; one submission).

Allele frequency attached by ClinVar (database versions not stated): gnomAD exomes 0.00001.
gnomAD v4.1: 10 of 1,597,992 alleles (0.00063%); highest among the groups gnomAD compares: South Asian, 0.0022%; no homozygotes.

Submission:

Labcorp Genetics (formerly Invitae), Labcorp
Classification: Uncertain significance. Last evaluated: 2024-06-29. Review status: criteria provided, single submitter. Criteria: Invitae Variant Classification Sherloc (09022015). Collection method: clinical testing. Allele origin: germline.
Comment: This sequence change replaces asparagine, which is neutral and polar, with serine, which is neutral and polar, at codon 685 of the MYLK3 protein (p.Asn685Ser). This variant is present in population databases (no rsID available, gnomAD 0.003%). This variant has not been reported in the literature in individuals affected with MYLK3-related conditions. ClinVar contains an entry for this variant (Variation ID: 1926905). An algorithm developed to predict the effect of missense changes on protein structure and function (PolyPhen-2) suggests that this variant is likely to be disruptive. In summary, the available evidence is currently insufficient to determine the role of this variant in disease. Therefore, it has been classified as a Variant of Uncertain Significance.

NM_182493.3(MYLK3):c.2054A>G (p.Asn685Ser)

Gene: MYLK3 (myosin light chain kinase 3; minus strand). Cytogenetic location: 16q11.2.
Variant type: single nucleotide variant.
Coding change: c.2054A>G on transcript NM_182493.3 (MANE Select); coding-DNA position 2054, A replaced by G.
Protein change: p.Asn685Ser; replaces asparagine 685 with serine.
Molecular consequence: missense variant.
Genome position (GRCh38, 1-based): chr16:46,712,708, T>C on the plus strand (A>G on the coding strand, the complement: MYLK3 is on the minus strand). VCF-style: chr16-46712708-T-C. GRCh37 (hg19) VCF-style: chr16-46746620-T-C.
Other names: c.1031A>G, p.Asn344Ser (NM_001308301.1); short protein forms N685S, N344S.
Identifiers: ClinVar variation 1926905 (VCV001926905.5), dbSNP rs1366325326, ClinGen allele CA395787869.
Genomic context (GRCh38, chr16:46,712,708, plus strand): 5'-AGCATGTAGGTGATGACTCCCACACTCCACATGTCTGTGGGGAATGAGACAAACTCATAA[T>C]TGACGACTTCTGGGGCCAGGAACTCAGGAGTGCCGAAGTTCACCTTCAGCTTCTCTCGAG-3'
Protein context (NP_872299.2, residues 675-695): TPEFLAPEVV[Asn685Ser]YEFVSFPTDM